The following is an entry in ClinVar:

ClinVar aggregate classification (germline): Likely pathogenic. Review status: criteria provided, single submitter (1 of 4 stars). 2 submissions from 2 submitters: Likely pathogenic (1). 1 of the submissions does not count toward it. Last evaluated 2023-07-09.

Conditions:
Ehlers-Danlos syndrome, type 4 (EDSVASC). Also called: Ehlers-Danlos syndrome vascular type; Ehlers Danlos syndrome, ecchymotic type; Ehlers Danlos syndrome, arterial type; Ehlers Danlos syndrome, Sack-Barabas type; Ehlers-Danlos Syndrome Type IV. Identifiers: Orphanet 286, MedGen C0268338, MONDO:0017314, OMIM 130050.

Submissions (2):

All of Us Research Program, National Institutes of Health
Classification: Likely pathogenic for Ehlers-Danlos syndrome, type 4. Last evaluated: 2023-07-09. Review status: criteria provided, single submitter. Criteria: ACMG Guidelines, 2015. Collection method: clinical testing. Allele origin: germline. Inheritance: Autosomal dominant inheritance. Observed: 1 variant allele, 1 heterozygote.
Comment: The c.2121+1G>C variant in the COL3A1 gene is located at the canonical splice site of intron 30 and is predicted to disrupt mRNA splicing, leading to a disrupted protein product. Loss-of-function variants in COL3A1 are known to be pathogenic and multiple splice-site or frameshift variants located upstream and downstream to this position have been reported in individuals with Ehlers?Danlos syndrome (PMID: 24922459, 24650746). The variant is reported in ClinVar (ID: 101432). The variant is absent in the general population database (gnomAD). Therefore, the c.2121+1G>C variant of COL3A1 has been classified as likely pathogenic.

This study involves interpretation of variants in research participants for the purpose of population health screening. Participant phenotype was not available at the time of variant classification. Additional details can be found in publication PMID: 35346344, PMCID: PMC8962531

Collagen Diagnostic Laboratory, University of Washington
Classification: Pathogenic for Ehlers-Danlos syndrome, type 4. Review status: no assertion criteria provided. Collection method: clinical testing. Allele origin: germline. Affected: yes. Not counted in ClinVar's aggregate classification.

Literature cited by the submitters: PubMed 24650746 (cited by All of Us Research Program, National Institutes of Health); PubMed 24922459 (cited by All of Us Research Program, National Institutes of Health).

NM_000090.4(COL3A1):c.2121+1G>C

Gene: COL3A1 (collagen type III alpha 1 chain; plus strand). Cytogenetic location: 2q32.2.
Variant type: single nucleotide variant.
Coding change: c.2121+1G>C on transcript NM_000090.4 (MANE Select); the canonical splice donor site of the intron after coding-DNA position 2121, G replaced by C.
Molecular consequence: splice donor variant.
Genome position (GRCh38, 1-based): chr2:188,999,384, G>C. VCF-style: chr2-188999384-G-C. GRCh37 (hg19) VCF-style: chr2-189864110-G-C.
Identifiers: ClinVar variation 101432 (VCV000101432.3), dbSNP rs587779675, ClinGen allele CA005049.
Genomic context (GRCh38, chr2:188,999,384, plus strand): 5'-TTGGCAGGGGCCCCAGGACTTAGAGGTGGAGCTGGTCCCCCTGGTCCCGAAGGAGGAAAG[G>C]TAACTCCACAGCATTCCATTCACCTAGGTTTAAAAAATGCATTTGATTTCCTTCTGATCA-3'